The following is an entry in ClinVar:

ClinVar aggregate classification (germline): Pathogenic (1 of 4 stars; one submission).

Conditions:
Congenital adrenal insufficiency with 46, XY sex reversal OR 46,XY disorder of sex development-adrenal insufficiency due to CYP11A1 deficiency. Also called: P450scc DEFICIENCY; Congenital adrenal insuffiency with 46, XY sex reversal OR 46,XY disorder of sex development-adrenal insufficiency due to CYP11A1 deficiency. Identifiers: Orphanet 168558, MedGen C3151055, MONDO:0013400, OMIM 613743.

Submission:

Myriad Genetics, Inc.
Classification: Pathogenic for Congenital adrenal insufficiency with 46, XY sex reversal OR 46,XY disorder of sex development-adrenal insufficiency due to CYP11A1 deficiency. Last evaluated: 2025-07-26. Review status: criteria provided, single submitter. Criteria: Myriad Autosomal Dominant, Autosomal Recessive and X-Linked Classification Criteria (2023). Collection method: clinical testing. Allele origin: unknown.
Comment: NM_000781.2(CYP11A1):c.988dupA(T330Nfs*12) is expected to be pathogenic in the context of congenital adrenal hyperplasia, CYP11A1-related. This variant is predicted to lead to an abnormal or absent protein product due to the creation of a premature termination codon in CYP11A1, a gene where loss-of-function variants are known to be pathogenic. Please note: this variant was assessed in the context of healthy population screening.

NM_000781.3(CYP11A1):c.988dup (p.Thr330fs)

Gene: CYP11A1 (cytochrome P450 family 11 subfamily A member 1; minus strand). Cytogenetic location: 15q24.1.
Variant type: Duplication.
Coding change: c.988dup on transcript NM_000781.3 (MANE Select); coding-DNA position 988, one base duplicated (A; older notation c.988dupA).
Protein change: p.Thr330fs; shifts the reading frame from threonine 330.
Molecular consequence: frameshift variant.
Genome position (GRCh38, 1-based): chr15:74,342,979, T duplicated on the plus strand (A on the coding strand, the reverse complement: CYP11A1 is on the minus strand). VCF-style (leftmost placement, unchanged base first): chr15-74342978-G-GT. GRCh37 (hg19) VCF-style: chr15-74635319-G-GT.
Other names: c.514dup, p.Thr172fs (NM_001099773.2); short protein forms T172fs, T330fs.
Identifiers: ClinVar variation 5014775 (VCV005014775.1).
Genomic context (GRCh38, chr15:74,342,978, plus strand): 5'-TGGGGAAGGGGCACGTGGGCACAGGGGGCAACAAGGTGCCGCCCCTACAGCCACCTCACC[G>GT]TGTCCACCCCTCCTGCCAGCATCTCTGTGACGTTGGCCTTGATGTCCTCGAAGGACATCT-3'